The following is an entry in ClinVar:

NM_022095.4(ZNF335):c.815-3del

Gene: ZNF335 (zinc finger protein 335; minus strand). Cytogenetic location: 20q13.12.
Variant type: Deletion.
Coding change: c.815-3del on transcript NM_022095.4 (MANE Select); 3 bases into the intron before coding-DNA position 815, one base deleted (C; older notation c.815-3delC).
Molecular consequence: intron variant.
Genome position (GRCh38, 1-based): chr20:45,967,637, G deleted on the plus strand (C on the coding strand, the reverse complement: ZNF335 is on the minus strand); the first of 2 consecutive G bases (chr20:45,967,637-45,967,638); deleting either gives the same sequence. VCF-style (leftmost placement, unchanged base first): chr20-45967636-TG-T. GRCh37 (hg19) VCF-style: chr20-44596275-TG-T.
Identifiers: ClinVar variation 130808 (VCV000130808.41), dbSNP rs551678383, ClinGen allele CA156100.

ClinVar aggregate classification (germline): Benign. Review status: criteria provided, multiple submitters, no conflicts (2 of 4 stars). 5 submissions from 5 submitters: Benign (5). Last evaluated 2026-08-01.

Conditions:
Microcephalic primordial dwarfism due to ZNF335 deficiency. Also called: Primary autosomal recessive microcephaly 10. Identifiers: Orphanet 329228, MedGen C3554499, MONDO:0014043, OMIM 615095.

Submissions (5):

CeGaT Center for Human Genetics Tuebingen
Classification: Benign. Last evaluated: 2026-08-01. Review status: criteria provided, single submitter. Criteria: CeGaT Center For Human Genetics Tuebingen Variant Classification Criteria Version 2. Collection method: clinical testing. Allele origin: germline. Affected: yes. Observed: 13 variant alleles.
Comment: ZNF335: BP4, BS1, BS2

Labcorp Genetics (formerly Invitae), Labcorp
Classification: Benign. Last evaluated: 2026-01-15. Review status: criteria provided, single submitter. Criteria: Invitae Variant Classification Sherloc (09022015). Collection method: clinical testing. Allele origin: germline.

Genome-Nilou Lab
Classification: Benign for Microcephalic primordial dwarfism due to ZNF335 deficiency. Last evaluated: 2021-12-05. Review status: criteria provided, single submitter. Criteria: ACMG Guidelines, 2015. Collection method: clinical testing. Allele origin: germline. Affected: no.

GeneDx
Classification: Benign. Last evaluated: 2020-05-29. Review status: criteria provided, single submitter. Criteria: GeneDx Variant Classification Process June 2021. Collection method: clinical testing. Allele origin: germline. Affected: yes.

Genetic Services Laboratory, University of Chicago
Classification: Benign. Last evaluated: 2015-11-19. Review status: criteria provided, single submitter. Criteria: ACMG Guidelines, 2015. Collection method: clinical testing. Allele origin: germline. Affected: no.